The following is an entry in ClinVar:

ClinVar aggregate classification (germline): Uncertain significance (1 of 4 stars; one submission).

Allele frequency attached by ClinVar (database versions not stated): gnomAD exomes 0.00002 and 0.00013; ExAC 0.00004; TOPMed 0.00006; gnomAD 0.00007 and 0.00008; ESP Exome Variant Server 0.00015.
gnomAD v4.1: 202 of 1,612,550 alleles (0.013%); highest among the groups gnomAD compares: Non-Finnish European, 0.016%; no homozygotes.

Submission:

Labcorp Genetics (formerly Invitae), Labcorp
Classification: Uncertain significance. Last evaluated: 2024-12-07. Review status: criteria provided, single submitter. Criteria: Invitae Variant Classification Sherloc (09022015). Collection method: clinical testing. Allele origin: germline.
Comment: This sequence change replaces glycine, which is neutral and non-polar, with serine, which is neutral and polar, at codon 700 of the ADAMTS10 protein (p.Gly700Ser). This variant is present in population databases (rs267606637, gnomAD 0.006%). This variant has not been reported in the literature in individuals affected with ADAMTS10-related conditions. ClinVar contains an entry for this variant (Variation ID: 1046021). An algorithm developed to predict the effect of missense changes on protein structure and function (PolyPhen-2) suggests that this variant is likely to be disruptive. In summary, the available evidence is currently insufficient to determine the role of this variant in disease. Therefore, it has been classified as a Variant of Uncertain Significance.

NM_030957.4(ADAMTS10):c.2098G>A (p.Gly700Ser)

Gene: ADAMTS10 (ADAM metallopeptidase with thrombospondin type 1 motif 10; minus strand). Cytogenetic location: 19p13.2.
Variant type: single nucleotide variant.
Coding change: c.2098G>A on transcript NM_030957.4 (MANE Select); coding-DNA position 2098, G replaced by A.
Protein change: p.Gly700Ser; replaces glycine 700 with serine.
Molecular consequence: missense variant.
Genome position (GRCh38, 1-based): chr19:8,589,302, C>T on the plus strand (G>A on the coding strand, the complement: ADAMTS10 is on the minus strand). VCF-style: chr19-8589302-C-T. GRCh37 (hg19) VCF-style: chr19-8654186-C-T.
Other names: c.559G>A, p.Gly187Ser (NM_001282352.2); short protein forms G700S, G187S.
Identifiers: ClinVar variation 1046021 (VCV001046021.5), dbSNP rs267606637, ClinGen allele CA9160227.